The following is an entry in ClinVar:

NM_005144.5(HR):c.2141C>T (p.Thr714Met)

Gene: HR (HR lysine demethylase and nuclear receptor corepressor; minus strand). Cytogenetic location: 8p21.3.
Variant type: single nucleotide variant.
Coding change: c.2141C>T on transcript NM_005144.5 (MANE Select); coding-DNA position 2141, C replaced by T.
Protein change: p.Thr714Met; replaces threonine 714 with methionine.
Molecular consequence: missense variant.
Genome position (GRCh38, 1-based): chr8:22,121,675, G>A on the plus strand (C>T on the coding strand, the complement: HR is on the minus strand). VCF-style: chr8-22121675-G-A. GRCh37 (hg19) VCF-style: chr8-21979188-G-A.
Other names: c.2141C>T, p.Thr714Met (NM_018411.4); short protein forms T714M.
Identifiers: ClinVar variation 2470424 (VCV002470424.4), dbSNP rs777083529, ClinGen allele CA4662219.
Genomic context (GRCh38, chr8:22,121,675, plus strand): 5'-TCTTTGATGCTCTTGGTCCTGTGGGTGTCGCCATTGCAGGAAGGTTGTGGAGTTGGGGGC[G>A]TTTTCTGTGTTGATTCCTTCTGTTAAACCCATCCACCACCCCCCCAATCCAACCAGAGAT-3'
Protein context (NP_005135.2, residues 704-724): AGQQKESTQK[Thr714Met]PPTPQPSCNG

ClinVar aggregate classification (germline): Conflicting classifications of pathogenicity. Review status: criteria provided, conflicting classifications (1 of 4 stars). 2 submissions from 2 submitters: Uncertain significance (1); Likely benign (1). Last evaluated 2024-10-04.

Conditions:
Inborn genetic diseases. Identifiers: MedGen C0950123, MeSH D030342.

Allele frequency attached by ClinVar (database versions not stated): ExAC 0.00001; gnomAD 0.00005.
gnomAD v4.1: 30 of 1,614,102 alleles (0.0019%); highest among the groups gnomAD compares: African/African-American, 0.008%; no homozygotes.

Submissions (2):

Labcorp Genetics (formerly Invitae), Labcorp
Classification: Uncertain significance. Last evaluated: 2024-10-04. Review status: criteria provided, single submitter. Criteria: Invitae Variant Classification Sherloc (09022015). Collection method: clinical testing. Allele origin: germline.
Comment: This sequence change replaces threonine, which is neutral and polar, with methionine, which is neutral and non-polar, at codon 714 of the HR protein (p.Thr714Met). This variant is present in population databases (rs777083529, gnomAD 0.01%). This variant has not been reported in the literature in individuals affected with HR-related conditions. ClinVar contains an entry for this variant (Variation ID: 2470424). An algorithm developed to predict the effect of missense changes on protein structure and function outputs the following: PolyPhen-2: "Benign". The methionine amino acid residue is found in multiple mammalian species, which suggests that this missense change does not adversely affect protein function. In summary, the available evidence is currently insufficient to determine the role of this variant in disease. Therefore, it has been classified as a Variant of Uncertain Significance.

Ambry Genetics
Classification: Likely benign for Inborn genetic diseases. Last evaluated: 2023-02-14. Review status: criteria provided, single submitter. Criteria: Ambry Variant Classification Scheme 2023. Collection method: clinical testing. Allele origin: germline.